The following is an entry in ClinVar:

ClinVar aggregate classification (germline): Uncertain significance (1 of 4 stars; one submission).

Submission:

Labcorp Genetics (formerly Invitae), Labcorp
Classification: Uncertain significance. Last evaluated: 2022-10-29. Review status: criteria provided, single submitter. Criteria: Invitae Variant Classification Sherloc (09022015). Collection method: clinical testing. Allele origin: germline.
Comment: In summary, the available evidence is currently insufficient to determine the role of this variant in disease. Therefore, it has been classified as a Variant of Uncertain Significance. Algorithms developed to predict the effect of missense changes on protein structure and function (SIFT, PolyPhen-2, Align-GVGD) all suggest that this variant is likely to be tolerated. This variant has not been reported in the literature in individuals affected with RORB-related conditions. This variant is not present in population databases (gnomAD no frequency). This sequence change replaces isoleucine, which is neutral and non-polar, with methionine, which is neutral and non-polar, at codon 175 of the RORB protein (p.Ile175Met).

NM_006914.4(RORB):c.525C>G (p.Ile175Met)

Gene: RORB (RAR related orphan receptor B; plus strand). Cytogenetic location: 9q21.13.
Variant type: single nucleotide variant.
Coding change: c.525C>G on transcript NM_006914.4 (MANE Select); coding-DNA position 525, C replaced by G.
Protein change: p.Ile175Met; replaces isoleucine 175 with methionine.
Molecular consequence: missense variant.
Genome position (GRCh38, 1-based): chr9:74,642,703, C>G. VCF-style: chr9-74642703-C-G. GRCh37 (hg19) VCF-style: chr9-77257619-C-G.
Other names: c.558C>G, p.Ile186Met (NM_001365023.1); short protein forms I175M, I186M.
Identifiers: ClinVar variation 1717325 (VCV001717325.6), dbSNP rs2489584171, ClinGen allele CA373770046.